The following is an entry in ClinVar:

NM_000368.5(TSC1):c.1765C>T (p.Pro589Ser)

Gene: TSC1 (TSC complex subunit 1; minus strand). Cytogenetic location: 9q34.13.
Variant type: single nucleotide variant.
Coding change: c.1765C>T on transcript NM_000368.5 (MANE Select); coding-DNA position 1765, C replaced by T.
Protein change: p.Pro589Ser; replaces proline 589 with serine.
Molecular consequence: missense variant.
Genome position (GRCh38, 1-based): chr9:132,905,813, G>A on the plus strand (C>T on the coding strand, the complement: TSC1 is on the minus strand). VCF-style: chr9-132905813-G-A. GRCh37 (hg19) VCF-style: chr9-135781200-G-A.
Other names: c.1765C>T (NM_000368.4); c.1762C>T, p.Pro588Ser (NM_001162426.2); c.1612C>T, p.Pro538Ser (NM_001162427.2); c.1402C>T, p.Pro468Ser (NM_001362177.2); short protein forms P468S, P538S, P588S, P589S.
Identifiers: ClinVar variation 1003728 (VCV001003728.9), dbSNP rs1299279813, ClinGen allele CA375363689.

ClinVar aggregate classification (germline): Conflicting classifications of pathogenicity. Review status: criteria provided, conflicting classifications (1 of 4 stars). 2 submissions from 2 submitters: Uncertain significance (1); Likely benign (1). Last evaluated 2024-04-10.

Conditions:
Tuberous sclerosis 1 (TSC1). Identifiers: Orphanet 805, MedGen C1854465, MONDO:0008612, OMIM 191100.
Hereditary cancer-predisposing syndrome. Also called: Hereditary neoplastic syndrome; Neoplastic Syndromes, Hereditary; Tumor predisposition; Hereditary Cancer Syndrome. Identifiers: Orphanet 140162, MedGen C0027672, MeSH D009386, MONDO:0015356.

Allele frequency attached by ClinVar (database versions not stated): gnomAD exomes 0.00001.
gnomAD v4.1: 3 of 1,614,220 alleles (0.00019%); highest among the groups gnomAD compares: South Asian, 0.0033%; no homozygotes.

Submissions (2):

Ambry Genetics
Classification: Uncertain significance for Hereditary cancer-predisposing syndrome. Last evaluated: 2024-04-10. Review status: criteria provided, single submitter. Criteria: Ambry Variant Classification Scheme 2023. Collection method: clinical testing. Allele origin: germline.
Comment: The p.P589S variant (also known as c.1765C>T), located in coding exon 13 of the TSC1 gene, results from a C to T substitution at nucleotide position 1765. The proline at codon 589 is replaced by serine, an amino acid with similar properties. This amino acid position is conserved. In addition, this alteration is predicted to be tolerated by in silico analysis. Based on the available evidence, the clinical significance of this variant remains unclear.

Labcorp Genetics (formerly Invitae), Labcorp
Classification: Likely benign for Tuberous sclerosis 1. Last evaluated: 2024-04-09. Review status: criteria provided, single submitter. Criteria: Invitae Variant Classification Sherloc (09022015). Collection method: clinical testing. Allele origin: germline.